The following is an entry in ClinVar:

NM_147127.5(EVC2):c.1082_1095del (p.Asn361fs)

Gene: EVC2 (EvC ciliary complex subunit 2; minus strand). Cytogenetic location: 4p16.2.
Variant type: Deletion.
Coding change: c.1082_1095del on transcript NM_147127.5 (MANE Select); coding-DNA positions 1082 to 1095, 14 bases deleted (ACGACCAAATGATA).
Protein change: p.Asn361fs; shifts the reading frame from asparagine 361.
Molecular consequence: frameshift variant.
Genome position (GRCh38, 1-based): chr4:5,663,157-5,663,170, TATCATTTGGTCGT deleted on the plus strand (ACGACCAAATGATA on the coding strand, the reverse complement: EVC2 is on the minus strand); deleting any 14 consecutive bases within chr4:5,663,157-5,663,172 gives the same sequence; the c. name uses the placement nearest the transcript's 3' end. VCF-style (leftmost placement, unchanged base first): chr4-5663156-CTATCATTTGGTCGT-C. GRCh37 (hg19) VCF-style: chr4-5664883-CTATCATTTGGTCGT-C.
Other names: c.842_855del, p.Asn281fs (NM_001166136.2); short protein forms N361fs, N281fs.
Identifiers: ClinVar variation 2954255 (VCV002954255.3), dbSNP rs2475506088, ClinGen allele CA2740091084.

ClinVar aggregate classification (germline): Pathogenic (1 of 4 stars; one submission).

Conditions:
Ellis-van Creveld syndrome (EVC). Also called: EVC-Related Ellis-van Creveld Syndrome; EVC2-Related Ellis-van Creveld Syndrome; MESOECTODERMAL DYSPLASIA; Chondroectodermal dysplasia. Identifiers: Orphanet 289, MedGen C0013903, MONDO:0009162, OMIM 225500.
Curry-Hall syndrome (WAD). Also called: WEYERS ACRODENTAL DYSOSTOSIS. Identifiers: Orphanet 952, MedGen C0457013, MONDO:0008673, OMIM 193530.

Submission:

Labcorp Genetics (formerly Invitae), Labcorp
Classification: Pathogenic for Curry-Hall syndrome; Ellis-van Creveld syndrome. Last evaluated: 2024-01-17. Review status: criteria provided, single submitter. Criteria: Invitae Variant Classification Sherloc (09022015). Collection method: clinical testing. Allele origin: germline.
Comment: This sequence change creates a premature translational stop signal (p.Asn361Argfs*77) in the EVC2 gene. It is expected to result in an absent or disrupted protein product. Loss-of-function variants in EVC2 are known to be pathogenic (PMID: 17024374, 19810119, 19876929). This variant is not present in population databases (gnomAD no frequency). This variant has not been reported in the literature in individuals affected with EVC2-related conditions. For these reasons, this variant has been classified as Pathogenic.

Literature cited by the submitters: PubMed 17024374; PubMed 19810119; PubMed 19876929.